The following is an entry in ClinVar:

NM_001101426.4(CRPPA):c.*2326A>G

Gene: CRPPA (CDP-L-ribitol pyrophosphorylase A; minus strand). Cytogenetic location: 7p21.2.
Variant type: single nucleotide variant.
Coding change: c.*2326A>G on transcript NM_001101426.4 (MANE Select); 2326 bases downstream of the stop codon, A replaced by G.
Molecular consequence: 3 prime UTR variant. On other transcripts: non-coding transcript variant (1).
Genome position (GRCh38, 1-based): chr7:16,089,369, T>C on the plus strand (A>G on the coding strand, the complement: CRPPA is on the minus strand). VCF-style: chr7-16089369-T-C. GRCh37 (hg19) VCF-style: chr7-16128994-T-C.
Other names: c.*2326A>G (NM_001101417.4, NM_001368197.1).
Identifiers: ClinVar variation 911761 (VCV000911761.4), dbSNP rs200989147, ClinGen allele CA154724321.

ClinVar aggregate classification (germline): Benign (1 of 4 stars; one submission).

Conditions:
Congenital Muscular Dystrophy, alpha-dystroglycan related.

Allele frequency attached by ClinVar (database versions not stated): 1000 Genomes Project 0.11082.

Submission:

Illumina Laboratory Services, Illumina
Classification: Benign for Congenital Muscular Dystrophy, alpha-dystroglycan related. Last evaluated: 2018-01-13. Review status: criteria provided, single submitter. Criteria: ICSL Variant Classification Criteria 13 December 2019. Collection method: clinical testing. Allele origin: germline.
Comment: This variant was observed in the ICSL laboratory as part of a predisposition screen in an ostensibly healthy population. It had not been previously curated by ICSL or reported in the Human Gene Mutation Database (HGMD: prior to June 1st, 2018), and was therefore a candidate for classification through an automated scoring system. Utilizing variant allele frequency, disease prevalence and penetrance estimates, and inheritance mode, an automated score was calculated to assess if this variant is too frequent to cause the disease. Based on the score and internal cut-off values, a variant classified as benign is not then subjected to further curation. The score for this variant resulted in a classification of benign for this disease.